The following is an entry in ClinVar:

NM_002335.4(LRP5):c.3280G>A (p.Glu1094Lys)

Gene: LRP5 (LDL receptor related protein 5; plus strand). Cytogenetic location: 11q13.2.
Variant type: single nucleotide variant.
Coding change: c.3280G>A on transcript NM_002335.4 (MANE Select); coding-DNA position 3280, G replaced by A.
Protein change: p.Glu1094Lys; replaces glutamic acid 1094 with lysine.
Molecular consequence: missense variant.
Genome position (GRCh38, 1-based): chr11:68,425,145, G>A. VCF-style: chr11-68425145-G-A. GRCh37 (hg19) VCF-style: chr11-68192613-G-A.
Other names: c.1537G>A, p.Glu513Lys (NM_001291902.2); short protein forms E1094K, E513K.
Identifiers: ClinVar variation 998850 (VCV000998850.12), dbSNP rs1433868957, ClinGen allele CA381621361.
Genomic context (GRCh38, chr11:68,425,145, plus strand): 5'-CCGCCACCCTCCCGCAGGTACCTGTACTTCACCAACATGCAGGACCGGGCAGCCAAGATC[G>A]AACGCGCAGCCCTGGACGGCACCGAGCGCGAGGTCCTCTTCACCACCGGCCTCATCCGCC-3'
Protein context (NP_002326.2, residues 1084-1104): TNMQDRAAKI[Glu1094Lys]RAALDGTERE

ClinVar aggregate classification (germline): Uncertain significance. Review status: criteria provided, multiple submitters, no conflicts (2 of 4 stars). 3 submissions from 3 submitters: Uncertain significance (3). Last evaluated 2026-01-23.

Conditions:
Bone mineral density quantitative trait locus 1 (BMND1). Identifiers: MedGen C1866079, OMIM 601884.
Worth disease. Also called: ENDOSTEAL HYPEROSTOSIS, AUTOSOMAL DOMINANT; OSTEOSCLEROSIS, AUTOSOMAL DOMINANT; Autosomal dominant osteosclerosis, Worth type. Identifiers: Orphanet 2790, MedGen C0432273, MONDO:0007764, OMIM 144750.
Exudative vitreoretinopathy 4 (EVR4). Identifiers: Orphanet 891, MedGen C1866176, MONDO:0011151, OMIM 601813.
Polycystic liver disease 4 with or without kidney cysts. Identifiers: MedGen C4693479, MONDO:0044327, OMIM 617875.
Autosomal dominant osteopetrosis 1 (OPTA1). Also called: OSTEOPETROSIS, AUTOSOMAL DOMINANT, TYPE I. Identifiers: Orphanet 2783, MedGen C1843330, MONDO:0011877, OMIM 607634.
Osteoporosis with pseudoglioma (OPPG). Also called: osteoporosis-pseudoglioma syndrome. Identifiers: Orphanet 2788, MedGen C0432252, MONDO:0009820, OMIM 259770.

Allele frequency attached by ClinVar (database versions not stated): gnomAD 0.00001; gnomAD exomes 0.00001; TOPMed 0.00001.
gnomAD v4.1: 9 of 1,613,586 alleles (0.00056%); highest among the groups gnomAD compares: African/African-American, 0.0013%; no homozygotes.

Submissions (3):

Labcorp Genetics (formerly Invitae), Labcorp
Classification: Uncertain significance. Last evaluated: 2026-01-23. Review status: criteria provided, single submitter. Criteria: Invitae Variant Classification Sherloc (09022015). Collection method: clinical testing. Allele origin: germline.
Comment: This sequence change replaces glutamic acid, which is acidic and polar, with lysine, which is basic and polar, at codon 1094 of the LRP5 protein (p.Glu1094Lys). This variant is present in population databases (no rsID available, gnomAD 0.002%). This missense change has been observed in individuals with clinical features of LRP5-related conditions and/or osteoporosis-pseudoglioma syndrome (PMID: 28378289, 31039433, 35106624). ClinVar contains an entry for this variant (Variation ID: 998850). Invitae Evidence Modeling of protein sequence and biophysical properties (such as structural, functional, and spatial information, amino acid conservation, physicochemical variation, residue mobility, and thermodynamic stability) has been performed for this missense variant. However, the output from this modeling did not meet the statistical confidence thresholds required to predict the impact of this variant on LRP5 protein function. In summary, the available evidence is currently insufficient to determine the role of this variant in disease. Therefore, it has been classified as a Variant of Uncertain Significance.

Fulgent Genetics
Classification: Uncertain significance for Worth disease; Osteoporosis with pseudoglioma; Exudative vitreoretinopathy 4; Bone mineral density quantitative trait locus 1; Autosomal dominant osteopetrosis 1; Polycystic liver disease 4 with or without kidney cysts. Last evaluated: 2024-06-13. Review status: criteria provided, single submitter. Criteria: ACMG Guidelines, 2015. Collection method: clinical testing. Allele origin: germline.

GeneDx
Classification: Uncertain significance. Last evaluated: 2020-06-24. Review status: criteria provided, single submitter. Criteria: GeneDx Variant Classification Process June 2021. Collection method: clinical testing. Allele origin: germline. Affected: yes.
Comment: Observed with a second variant in a patient with significant fracture history in published literature (Bardai et al., 2017); Not observed at a significant frequency in large population cohorts (Lek et al., 2016); In silico analysis supports that this missense variant does not alter protein structure/function; This variant is associated with the following publications: (PMID: 28378289)

Literature cited by the submitters: PubMed 28378289 (cited by Labcorp Genetics (formerly Invitae), Labcorp); PubMed 31039433 (cited by Labcorp Genetics (formerly Invitae), Labcorp); PubMed 35106624 (cited by Labcorp Genetics (formerly Invitae), Labcorp).